The following is an entry in ClinVar:

NM_000195.5(HPS1):c.421C>T (p.Gln141Ter)

Gene: HPS1 (HPS1 biogenesis of lysosomal organelles complex 3 subunit 1; minus strand). Cytogenetic location: 10q24.2.
Variant type: single nucleotide variant.
Coding change: c.421C>T on transcript NM_000195.5 (MANE Select); coding-DNA position 421, C replaced by T.
Protein change: p.Gln141Ter; replaces glutamine 141 with a stop codon.
Molecular consequence: nonsense. On other transcripts: 5 prime UTR variant (3), missense variant (3).
Genome position (GRCh38, 1-based): chr10:98,434,069, G>A on the plus strand (C>T on the coding strand, the complement: HPS1 is on the minus strand). VCF-style: chr10-98434069-G-A. GRCh37 (hg19) VCF-style: chr10-100193826-G-A.
Other names: c.-496C>T (NM_001311345.2, NM_001322489.2); c.421C>T, p.Gln141Ter (NM_001322476.2, NM_001322477.2, NM_001322478.2 and 5 more transcripts); c.278C>T, p.Ala93Val (NM_001322480.2, NM_001322481.2, NM_001322482.2); c.52C>T, p.Gln18Ter (NM_001322483.2, NM_001322484.2, NM_001322485.2); c.-595C>T (NM_001322487.2); short protein forms A93V, Q141*, Q18*.
Identifiers: ClinVar variation 5013393 (VCV005013393.1).
Genomic context (GRCh38, chr10:98,434,069, plus strand): 5'-CCCGCAGGCGGCTGTAGGTCCACAGCAGGCTCTGGAAGTGCTCCCACAGCTGGACACGCT[G>A]CGCCAGGTCTGGGGGCCGCAGCCTGGGGGCAGAGCCAGAGAGGGCGGGAGAGATCACAAG-3'

ClinVar aggregate classification (germline): Pathogenic (1 of 4 stars; one submission).

Conditions:
Hermansky-Pudlak syndrome 1 (HPS1). Also called: DELTA STORAGE POOL DISEASE. Identifiers: Orphanet 231500, Orphanet 79430, MedGen C2931875, MONDO:0008748, OMIM 203300.

Submission:

Myriad Genetics, Inc.
Classification: Pathogenic for Hermansky-Pudlak syndrome 1. Last evaluated: 2024-07-31. Review status: criteria provided, single submitter. Criteria: Myriad Autosomal Dominant, Autosomal Recessive and X-Linked Classification Criteria (2023). Collection method: clinical testing. Allele origin: unknown.
Comment: NM_000195.3(HPS1):c.421C>T(Q141*) is expected to be pathogenic in the context of Hermansky-Pudlak syndrome, HPS1-related. This variant is predicted to lead to an abnormal or absent protein product due to the creation of a premature termination codon in HPS1, a gene where loss-of-function variants are known to be pathogenic. Please note: this variant was assessed in the context of healthy population screening.